The following is an entry in ClinVar:

NM_001303052.2(MYT1L):c.560A>T (p.Asp187Val)

Gene: MYT1L (myelin transcription factor 1 like; minus strand). Cytogenetic location: 2p25.3.
Variant type: single nucleotide variant.
Coding change: c.560A>T on transcript NM_001303052.2 (MANE Select); coding-DNA position 560, A replaced by T.
Protein change: p.Asp187Val; replaces aspartic acid 187 with valine.
Molecular consequence: missense variant.
Genome position (GRCh38, 1-based): chr2:1,923,209, T>A on the plus strand (A>T on the coding strand, the complement: MYT1L is on the minus strand). VCF-style: chr2-1923209-T-A. GRCh37 (hg19) VCF-style: chr2-1926981-T-A.
Other names: c.560A>T, p.Asp187Val (NM_001329849.3, NM_001329851.3, NM_001329852.3 and 6 more transcripts); c.560A>T (NM_015025.2); short protein forms D187V.
Identifiers: ClinVar variation 1703160 (VCV001703160.4), dbSNP rs2550919881, ClinGen allele CA345707807.

ClinVar aggregate classification (germline): Uncertain significance. Review status: criteria provided, multiple submitters, no conflicts (2 of 4 stars). 2 submissions from 2 submitters: Uncertain significance (2). Last evaluated 2023-03-20.

Conditions:
Intellectual developmental disorder, autosomal dominant 39. Also called: Mental retardation, autosomal dominant 39; Intellectual disability, autosomal dominant 39. Identifiers: MedGen C4225296, MONDO:0014678, OMIM 616521.

Submissions (2):

GeneDx
Classification: Uncertain significance. Last evaluated: 2023-03-20. Review status: criteria provided, single submitter. Criteria: GeneDx Variant Classification Process June 2021. Collection method: clinical testing. Allele origin: germline. Affected: yes.
Comment: Not observed at significant frequency in large population cohorts (gnomAD); In silico analysis supports that this missense variant does not alter protein structure/function; Has not been previously published as pathogenic or benign to our knowledge

Greenwood Genetic Center Diagnostic Laboratories, Greenwood Genetic Center
Classification: Uncertain significance for Intellectual developmental disorder, autosomal dominant 39. Last evaluated: 2022-04-21. Review status: criteria provided, single submitter. Criteria: ACMG Guidelines, 2015. Collection method: clinical testing. Allele origin: germline. Affected: yes.
Comment: PM2